The following is an entry in ClinVar:

NM_001042492.3(NF1):c.4372G>C (p.Glu1458Gln)

Gene: NF1 (neurofibromin 1; plus strand). Cytogenetic location: 17q11.2.
Variant type: single nucleotide variant.
Coding change: c.4372G>C on transcript NM_001042492.3 (MANE Select); coding-DNA position 4372, G replaced by C.
Protein change: p.Glu1458Gln; replaces glutamic acid 1458 with glutamine.
Molecular consequence: missense variant.
Genome position (GRCh38, 1-based): chr17:31,259,071, G>C. VCF-style: chr17-31259071-G-C. GRCh37 (hg19) VCF-style: chr17-29586089-G-C.
Other names: c.4309G>C, p.Glu1437Gln (NM_000267.4); short protein forms E1437Q, E1458Q.
Identifiers: ClinVar variation 2699139 (VCV002699139.3), dbSNP rs1135402858, ClinGen allele CA398998812.

ClinVar aggregate classification (germline): Uncertain significance (1 of 4 stars; one submission).

Conditions:
Neurofibromatosis, type 1 (NF1). Also called: Peripheral type neurofibromatosis; VON RECKLINGHAUSEN DISEASE; Neurofibromatosis, type I; NEUROFIBROMATOSIS, TYPE I, SOMATIC. Identifiers: Orphanet 636, MedGen C0027831, MONDO:0018975, OMIM 162200. Disease mechanism: loss of function.

Submission:

Labcorp Genetics (formerly Invitae), Labcorp
Classification: Uncertain significance for Neurofibromatosis, type 1. Last evaluated: 2023-11-27. Review status: criteria provided, single submitter. Criteria: Invitae Variant Classification Sherloc (09022015). Collection method: clinical testing. Allele origin: germline.
Comment: This sequence change replaces glutamic acid, which is acidic and polar, with glutamine, which is neutral and polar, at codon 1437 of the NF1 protein (p.Glu1437Gln). This variant is not present in population databases (gnomAD no frequency). This variant has not been reported in the literature in individuals affected with NF1-related conditions. Advanced modeling of protein sequence and biophysical properties (such as structural, functional, and spatial information, amino acid conservation, physicochemical variation, residue mobility, and thermodynamic stability) performed at Invitae indicates that this missense variant is expected to disrupt NF1 protein function with a positive predictive value of 95%. This variant disrupts the p.Glu1437 amino acid residue in NF1. Other variant(s) that disrupt this residue have been determined to be pathogenic (PMID: 28961165; Invitae). This suggests that this residue is clinically significant, and that variants that disrupt this residue are likely to be disease-causing. In summary, the available evidence is currently insufficient to determine the role of this variant in disease. Therefore, it has been classified as a Variant of Uncertain Significance.

Literature cited by the submitters: PubMed 28961165.